The following is an entry in ClinVar:

NM_005475.3(SH2B3):c.1538A>C (p.Glu513Ala)

Gene: SH2B3 (SH2B adaptor protein 3; plus strand). Cytogenetic location: 12q24.12.
Variant type: single nucleotide variant.
Coding change: c.1538A>C on transcript NM_005475.3 (MANE Select); coding-DNA position 1538, A replaced by C.
Protein change: p.Glu513Ala; replaces glutamic acid 513 with alanine.
Molecular consequence: missense variant.
Genome position (GRCh38, 1-based): chr12:111,448,112, A>C. VCF-style: chr12-111448112-A-C. GRCh37 (hg19) VCF-style: chr12-111885916-A-C.
Other names: c.932A>C, p.Glu311Ala (NM_001291424.1); short protein forms E513A, E311A.
Identifiers: ClinVar variation 5029505 (VCV005029505.1).
Genomic context (GRCh38, chr12:111,448,112, plus strand): 5'-GTTCAGAGTTGGGCCTTCCCCACCTTAGTTCTTCTGGCTGTCCCCGGGGGCTCAGCCCAG[A>C]GGGTCTCCCAGGGCGATCCTCACCCCCCGAGCAGATCTTCCACCTGGTGCCTTCGCCCGA-3'
Protein context (NP_005466.1, residues 503-523): SSGCPRGLSP[Glu513Ala]GLPGRSSPPE

ClinVar aggregate classification (germline): Uncertain significance (1 of 4 stars; one submission).

Conditions:
Inborn genetic diseases. Identifiers: MedGen C0950123, MeSH D030342.

Submission:

Ambry Genetics
Classification: Uncertain significance for Inborn genetic diseases. Last evaluated: 2026-08-15. Review status: criteria provided, single submitter. Criteria: Ambry Variant Classification Scheme 2023. Collection method: clinical testing. Allele origin: germline.
Comment: The p.E513A variant (also known as c.1538A>C), located in coding exon 7 of the SH2B3 gene, results from an A to C substitution at nucleotide position 1538. The glutamic acid at codon 513 is replaced by alanine, an amino acid with dissimilar properties. This amino acid position is conserved. In addition, this alteration is predicted to be tolerated by in silico analysis. Based on the available evidence, the clinical significance of this variant remains unclear.